The following is an entry in ClinVar:

NM_000138.5(FBN1):c.2339A>C (p.Gln780Pro)

Gene: FBN1 (fibrillin 1; minus strand). Cytogenetic location: 15q21.1.
Variant type: single nucleotide variant.
Coding change: c.2339A>C on transcript NM_000138.5 (MANE Select); coding-DNA position 2339, A replaced by C.
Protein change: p.Gln780Pro; replaces glutamine 780 with proline.
Molecular consequence: missense variant.
Genome position (GRCh38, 1-based): chr15:48,496,180, T>G on the plus strand (A>C on the coding strand, the complement: FBN1 is on the minus strand). VCF-style: chr15-48496180-T-G. GRCh37 (hg19) VCF-style: chr15-48788377-T-G.
Other names: short protein forms Q780P.
Identifiers: ClinVar variation 863983 (VCV000863983.11), dbSNP rs886039058, ClinGen allele CA392335461.
Genomic context (GRCh38, chr15:48,496,180, plus strand): 5'-GGTTTGTAGATAAATCCCTTGGGGCAGGTACAGACAAAACTTCCAGGAGTATTTCTACAT[T>G]GTCCATTGTCACAAAGGAGACTGTTCAGTACACATTCATTAATATCTGCAAAGTCAATGA-3'
Protein context (NP_000129.3, residues 770-790): VLNSLLCDNG[Gln780Pro]CRNTPGSFVC

ClinVar aggregate classification (germline): Uncertain significance. Review status: criteria provided, multiple submitters, no conflicts (2 of 4 stars). 2 submissions from 2 submitters: Uncertain significance (2). Last evaluated 2025-01-27.

Conditions:
Familial thoracic aortic aneurysm and aortic dissection (TAAD). Also called: Thoracic aortic aneurysms and dissections. Identifiers: Orphanet 91387, MedGen C4707243, MONDO:0019625.
Marfan syndrome (MFS). Also called: FBN1-Related Marfan Syndrome; Marfan's syndrome; MARFAN SYNDROME, TYPE I; Marfan syndrome type 1; Marfan syndrome, classic. Identifiers: Orphanet 284963, Orphanet 558, MedGen C0024796, MONDO:0007947, OMIM 154700.

Submissions (2):

Ambry Genetics
Classification: Uncertain significance for Familial thoracic aortic aneurysm and aortic dissection. Last evaluated: 2025-01-27. Review status: criteria provided, single submitter. Criteria: Ambry Variant Classification Scheme 2023. Collection method: clinical testing. Allele origin: germline.
Comment: The p.Q780P variant (also known as c.2339A>C), located in coding exon 19 of the FBN1 gene, results from an A to C substitution at nucleotide position 2339. The glutamine at codon 780 is replaced by proline, an amino acid with similar properties. This amino acid position is not well conserved in available vertebrate species. In addition, the in silico prediction for this alteration is inconclusive. Based on the available evidence, the clinical significance of this variant remains unclear.

Labcorp Genetics (formerly Invitae), Labcorp
Classification: Uncertain significance for Marfan syndrome; Familial thoracic aortic aneurysm and aortic dissection. Last evaluated: 2019-12-22. Review status: criteria provided, single submitter. Criteria: Invitae Variant Classification Sherloc (09022015). Collection method: clinical testing. Allele origin: germline.
Comment: This variant is not present in population databases (ExAC no frequency). This variant has not been reported in the literature in individuals with FBN1-related conditions. Algorithms developed to predict the effect of missense changes on protein structure and function are either unavailable or do not agree on the potential impact of this missense change (SIFT: "Tolerated"; PolyPhen-2: "Possibly Damaging"; Align-GVGD: "Class C0"). In summary, the available evidence is currently insufficient to determine the role of this variant in disease. Therefore, it has been classified as a Variant of Uncertain Significance. This sequence change replaces glutamine with proline at codon 780 of the FBN1 protein (p.Gln780Pro). The glutamine residue is moderately conserved and there is a moderate physicochemical difference between glutamine and proline.